The following is an entry in ClinVar:

ClinVar aggregate classification (germline): Uncertain significance (1 of 4 stars; one submission).

Conditions:
Focal segmental glomerulosclerosis 5 (FSGS5). Identifiers: Orphanet 656, MedGen C2750475, MONDO:0013191, OMIM 613237.
Charcot-Marie-Tooth disease dominant intermediate E. Also called: CHARCOT-MARIE-TOOTH NEUROPATHY WITH FOCAL SEGMENTAL GLOMERULONEPHRITIS. Identifiers: Orphanet 93114, MedGen C4302667, MONDO:0013758, OMIM 614455.

gnomAD v4.1: 6 of 1,496,558 alleles (0.0004%); highest among the groups gnomAD compares: Admixed American, 0.011%; no homozygotes.

Submission:

Labcorp Genetics (formerly Invitae), Labcorp
Classification: Uncertain significance for Charcot-Marie-Tooth disease dominant intermediate E; Focal segmental glomerulosclerosis 5. Last evaluated: 2025-08-18. Review status: criteria provided, single submitter. Criteria: Invitae Variant Classification Sherloc (09022015). Collection method: clinical testing. Allele origin: germline.
Comment: This sequence change falls in intron 2 of the INF2 gene. It does not directly change the encoded amino acid sequence of the INF2 protein. It affects a nucleotide within the consensus splice site. The frequency data for this variant in the population databases is considered unreliable, as metrics indicate poor data quality at this position in the gnomAD database. This variant has not been reported in the literature in individuals affected with INF2-related conditions. ClinVar contains an entry for this variant (Variation ID: 2923132). Variants that disrupt the consensus splice site are a relatively common cause of aberrant splicing (PMID: 17576681, 9536098). Algorithms developed to predict the effect of sequence changes on RNA splicing suggest that this variant is not likely to affect RNA splicing. In summary, the available evidence is currently insufficient to determine the role of this variant in disease. Therefore, it has been classified as a Variant of Uncertain Significance.

Literature cited by the submitters: PubMed 17576681; PubMed 9536098.

NM_022489.4(INF2):c.391+6C>A

Gene: INF2 (inverted formin 2; plus strand). Cytogenetic location: 14q32.33.
Variant type: single nucleotide variant.
Coding change: c.391+6C>A on transcript NM_022489.4 (MANE Select); 6 bases into the intron after coding-DNA position 391, C replaced by A.
Molecular consequence: intron variant.
Genome position (GRCh38, 1-based): chr14:104,701,762, C>A. VCF-style: chr14-104701762-C-A. GRCh37 (hg19) VCF-style: chr14-105168099-C-A.
Other names: c.391+6C>A (NM_001031714.4, NM_032714.3).
Identifiers: ClinVar variation 2923132 (VCV002923132.3), dbSNP rs75115369, ClinGen allele CA616584712.